The following is an entry in ClinVar:

NM_001802.2(CDR2):c.18G>A (p.Leu6=)

Genes: CDR2 (cerebellar degeneration related protein 2), LOC130058644 (ATAC-STARR-seq lymphoblastoid silent region 7269). Cytogenetic location: 16p12.2.
Variant type: single nucleotide variant.
Coding change: c.18G>A on transcript NM_001802.2 (MANE Select); coding-DNA position 18, G replaced by A.
Protein change: p.Leu6=; no amino-acid change (leucine 6 retained).
Molecular consequence: synonymous variant.
Genome position (GRCh38, 1-based): chr16:22,374,292, C>T on the plus strand (G>A on the coding strand, the complement: CDR2 is on the minus strand). VCF-style: chr16-22374292-C-T. GRCh37 (hg19) VCF-style: chr16-22385613-C-T.
Identifiers: ClinVar variation 2646314 (VCV002646314.24), dbSNP rs151255507, ClinGen allele CA7957702.

ClinVar aggregate classification (germline): Likely benign (1 of 4 stars; one submission).

Allele frequency attached by ClinVar (database versions not stated): gnomAD 0.00004; ExAC 0.00006; ESP Exome Variant Server 0.00008; TOPMed 0.00008.
gnomAD v4.1: 100 of 1,601,188 alleles (0.0062%); highest among the groups gnomAD compares: Middle Eastern, 0.017%; no homozygotes.

Submission:

CeGaT Center for Human Genetics Tuebingen
Classification: Likely benign. Last evaluated: 2022-04-01. Review status: criteria provided, single submitter. Criteria: CeGaT Center For Human Genetics Tuebingen Variant Classification Criteria Version 2. Collection method: clinical testing. Allele origin: germline. Affected: yes. Observed: 1 variant allele.
Comment: CDR2: BP4, BP7